The following is an entry in ClinVar:

NM_022124.6(CDH23):c.5515A>T (p.Ile1839Phe)

Gene: CDH23 (cadherin related 23; plus strand). Cytogenetic location: 10q22.1.
Variant type: single nucleotide variant.
Coding change: c.5515A>T on transcript NM_022124.6 (MANE Select); coding-DNA position 5515, A replaced by T.
Protein change: p.Ile1839Phe; replaces isoleucine 1839 with phenylalanine.
Molecular consequence: missense variant.
Genome position (GRCh38, 1-based): chr10:71,784,903, A>T. VCF-style: chr10-71784903-A-T. GRCh37 (hg19) VCF-style: chr10-73544660-A-T.
Other names: short protein forms I1839F.
Identifiers: ClinVar variation 2086942 (VCV002086942.4), dbSNP rs767438622, ClinGen allele CA5545801.
Genomic context (GRCh38, chr10:71,784,903, plus strand): 5'-CATCTGTCGCTCTTCCTCCCCTCCCTCCTCCTTCTCTGACTGGCCCAGATGCTGGTGGGG[A>T]TCCGGGTGCTGGACATCAACGACAACGACCCTGTGCTGCTGAACCTGCCCATGAACATCA-3'
Protein context (NP_071407.4, residues 1829-1849): PPLSSTMLVG[Ile1839Phe]RVLDINDNDP

ClinVar aggregate classification (germline): Uncertain significance (1 of 4 stars; one submission).

Allele frequency attached by ClinVar (database versions not stated): gnomAD exomes below 0.00001; ExAC 0.00001.
gnomAD v4.1: 2 of 1,613,608 alleles (0.00012%); highest among the groups gnomAD compares: Admixed American, 0.0017%; no homozygotes.

Submission:

Labcorp Genetics (formerly Invitae), Labcorp
Classification: Uncertain significance. Last evaluated: 2025-04-07. Review status: criteria provided, single submitter. Criteria: Invitae Variant Classification Sherloc (09022015). Collection method: clinical testing. Allele origin: germline.
Comment: This sequence change replaces isoleucine, which is neutral and non-polar, with phenylalanine, which is neutral and non-polar, at codon 1839 of the CDH23 protein (p.Ile1839Phe). This variant is present in population databases (rs767438622, gnomAD 0.003%). This variant has not been reported in the literature in individuals affected with CDH23-related conditions. ClinVar contains an entry for this variant (Variation ID: 2086942). Invitae Evidence Modeling of protein sequence and biophysical properties (such as structural, functional, and spatial information, amino acid conservation, physicochemical variation, residue mobility, and thermodynamic stability) has been performed for this missense variant. However, the output from this modeling did not meet the statistical confidence thresholds required to predict the impact of this variant on CDH23 protein function. In summary, the available evidence is currently insufficient to determine the role of this variant in disease. Therefore, it has been classified as a Variant of Uncertain Significance.